The following is an entry in ClinVar:

NM_001378743.1(CYLD):c.378C>T (p.Asp126=)

Gene: CYLD (CYLD lysine 63 deubiquitinase; plus strand). Cytogenetic location: 16q12.1.
Variant type: single nucleotide variant.
Coding change: c.378C>T on transcript NM_001378743.1 (MANE Select); coding-DNA position 378, C replaced by T.
Protein change: p.Asp126=; no amino-acid change (aspartic acid 126 retained).
Molecular consequence: synonymous variant. On other transcripts: 5 prime UTR variant (2), non-coding transcript variant (1).
Genome position (GRCh38, 1-based): chr16:50,750,076, C>T. VCF-style: chr16-50750076-C-T. GRCh37 (hg19) VCF-style: chr16-50783987-C-T.
Other names: c.378C>T, p.Asp126= (NM_001042355.2, NM_001042412.3, NM_001378744.1 and 10 more transcripts); c.-285C>T (NM_001378754.1, NM_001378755.1).
Identifiers: ClinVar variation 3352235 (VCV003352235.1).

ClinVar aggregate classification (germline): Likely benign (0 of 4 stars; one submission).

Conditions:
CYLD-related disorder. Also called: CYLD-related condition.

gnomAD v4.1: 82 of 1,613,976 alleles (0.0051%); highest among the groups gnomAD compares: African/African-American, 0.085%; no homozygotes.

Submission:

PreventionGenetics, part of Exact Sciences
Classification: Likely benign for CYLD-related condition. Last evaluated: 2024-08-22. Review status: no assertion criteria provided. Collection method: clinical testing. Allele origin: germline.
Comment: This variant is classified as likely benign based on ACMG/AMP sequence variant interpretation guidelines (Richards et al. 2015 PMID: 25741868, with internal and published modifications).